The following is an entry in ClinVar:

NM_001039141.3(TRIOBP):c.3386C>T (p.Ala1129Val)

Gene: TRIOBP (TRIO and F-actin binding protein; plus strand). Cytogenetic location: 22q13.1.
Variant type: single nucleotide variant.
Coding change: c.3386C>T on transcript NM_001039141.3 (MANE Select); coding-DNA position 3386, C replaced by T.
Protein change: p.Ala1129Val; replaces alanine 1129 with valine.
Molecular consequence: missense variant.
Genome position (GRCh38, 1-based): chr22:37,725,942, C>T. VCF-style: chr22-37725942-C-T. GRCh37 (hg19) VCF-style: chr22-38121949-C-T.
Other names: short protein forms A1129V.
Identifiers: ClinVar variation 618443 (VCV000618443.10), dbSNP rs752938356, ClinGen allele CA10224118.

ClinVar aggregate classification (germline): Uncertain significance. Review status: criteria provided, multiple submitters, no conflicts (2 of 4 stars). 2 submissions from 2 submitters: Uncertain significance (2). Last evaluated 2024-01-04.

Allele frequency attached by ClinVar (database versions not stated): gnomAD exomes below 0.00001; ExAC 0.00001; TOPMed 0.00004; gnomAD 0.00005.
gnomAD v4.1: 13 of 1,613,448 alleles (0.00081%); highest among the groups gnomAD compares: African/African-American, 0.012%; no homozygotes.

Submissions (2):

GeneDx
Classification: Uncertain significance. Last evaluated: 2024-01-04. Review status: criteria provided, single submitter. Criteria: GeneDx Variant Classification Process June 2021. Collection method: clinical testing. Allele origin: germline. Affected: yes.
Comment: In silico analysis supports that this missense variant does not alter protein structure/function; Has not been previously published as pathogenic or benign to our knowledge

ARUP Laboratories, Molecular Genetics and Genomics, ARUP Laboratories
Classification: Uncertain significance. Last evaluated: 2018-05-09. Review status: criteria provided, single submitter. Criteria: ARUP Molecular Germline Variant Investigation Process. Collection method: clinical testing. Allele origin: germline.
Comment: The p.Ala1129Val variant (rs752938356) has not been reported in the medical literature, gene specific variation databases, nor has it been previously identified by our laboratory. This variant is listed in the Genome Aggregation Database (gnomAD) with a frequency of 0.02 percent in the African population (identified on 2 out of 23986 chromosomes). The alanine at position 1129 is weakly conserved considering 12 species and computational analyses of the p.Ala1129Val variant on protein structure and function indicate a neutral effect (SIFT: tolerated, PolyPhen-2: benign). Altogether, there is not enough evidence to classify the p.Ala1129Val variant with certainty.